The following is an entry in ClinVar:

ClinVar aggregate classification (germline): Likely benign. Review status: criteria provided, single submitter (1 of 4 stars). 2 submissions from 2 submitters: Likely benign (1). 1 of the submissions does not count toward it. Last evaluated 2024-07-29.

Conditions:
NOTCH3-related disorder. Also called: NOTCH3-related condition; NOTCH3-related disorders.

Allele frequency attached by ClinVar (database versions not stated): ExAC 0.00002; gnomAD exomes 0.00002; TOPMed 0.00002; gnomAD 0.00005; 1000 Genomes Project 30x 0.00016; 1000 Genomes Project 0.00020.
gnomAD v4.1: 31 of 1,613,450 alleles (0.0019%); highest among the groups gnomAD compares: East Asian, 0.033%; no homozygotes.

Submissions (2):

ARUP Laboratories, Molecular Genetics and Genomics, ARUP Laboratories
Classification: Likely benign. Last evaluated: 2024-07-29. Review status: criteria provided, single submitter. Criteria: ARUP Molecular Germline Variant Investigation Process 2024. Collection method: clinical testing. Allele origin: germline.

PreventionGenetics, part of Exact Sciences
Classification: Likely benign for NOTCH3-related condition. Last evaluated: 2022-06-03. Review status: no assertion criteria provided. Collection method: clinical testing. Allele origin: germline. Not counted in ClinVar's aggregate classification.
Comment: This variant is classified as likely benign based on ACMG/AMP sequence variant interpretation guidelines (Richards et al. 2015 PMID: 25741868, with internal and published modifications).

NM_000435.3(NOTCH3):c.6003C>T (p.Thr2001=)

Gene: NOTCH3 (notch receptor 3; minus strand). Cytogenetic location: 19p13.12.
Variant type: single nucleotide variant.
Coding change: c.6003C>T on transcript NM_000435.3 (MANE Select); coding-DNA position 6003, C replaced by T.
Protein change: p.Thr2001=; no amino-acid change (threonine 2001 retained).
Molecular consequence: synonymous variant.
Genome position (GRCh38, 1-based): chr19:15,161,625, G>A on the plus strand (C>T on the coding strand, the complement: NOTCH3 is on the minus strand). VCF-style: chr19-15161625-G-A. GRCh37 (hg19) VCF-style: chr19-15272436-G-A.
Identifiers: ClinVar variation 3031617 (VCV003031617.3), dbSNP rs528912597, ClinGen allele CA9262450.
Genomic context (GRCh38, chr19:15,161,625, plus strand): 5'-CACGATGTCCTGGTGCAGTCTCTCCTGGGCTACGTCCCGCGGCAGCCTGTCCAGGTGGTC[G>A]GTGATCTCACGGTTGGCAAAGTGGTCCAACAGCAGCTTGGCAGCCTCATAGCTGCCCTCG-3'
Protein context (NP_000426.2, residues 1991-2011): LLDHFANREI[Thr2001=]DHLDRLPRDV